The following is an entry in ClinVar:

NM_001369.3(DNAH5):c.12182_12183insTGTCTCTTATACACAT (p.Leu4062fs)

Gene: DNAH5 (dynein axonemal heavy chain 5; minus strand). Cytogenetic location: 5p15.2.
Variant type: Insertion.
Coding change: c.12182_12183insTGTCTCTTATACACAT on transcript NM_001369.3 (MANE Select); coding-DNA positions 12182 to 12183, TGTCTCTTATACACAT inserted.
Protein change: p.Leu4062fs; shifts the reading frame from leucine 4062.
Molecular consequence: frameshift variant.
Genome position: GRCh38 VCF-style: chr5-13721096-G-GATGTGTATAAGAGACA. GRCh37 (hg19) VCF-style: chr5-13721205-G-GATGTGTATAAGAGACA.
Other names: short protein forms L4062fs.
Identifiers: ClinVar variation 5011085 (VCV005011085.1).

ClinVar aggregate classification (germline): Pathogenic (1 of 4 stars; one submission).

Conditions:
Primary ciliary dyskinesia 3. Identifiers: Orphanet 244, MedGen C1837618, MONDO:0012085, OMIM 608644.

Submission:

Myriad Genetics, Inc.
Classification: Pathogenic for Primary ciliary dyskinesia 3. Last evaluated: 2024-05-14. Review status: criteria provided, single submitter. Criteria: Myriad Autosomal Dominant, Autosomal Recessive and X-Linked Classification Criteria (2023). Collection method: clinical testing. Allele origin: unknown.
Comment: NM_001369.2(DNAH5):c.12182_12183ins16(L4062Vfs*51) is expected to be pathogenic in the context of primary ciliary dyskinesia, DNAH5-related. This variant is predicted to lead to an abnormal or absent protein product due to the creation of a premature termination codon in DNAH5, a gene where loss-of-function variants are known to be pathogenic. Please note: this variant was assessed in the context of healthy population screening.